The following is an entry in ClinVar:

NM_004329.3(BMPR1A):c.524G>A (p.Cys175Tyr)

Gene: BMPR1A (bone morphogenetic protein receptor type 1A; plus strand). Cytogenetic location: 10q23.2.
Variant type: single nucleotide variant.
Coding change: c.524G>A on transcript NM_004329.3 (MANE Select); coding-DNA position 524, G replaced by A.
Protein change: p.Cys175Tyr; replaces cysteine 175 with tyrosine.
Molecular consequence: missense variant.
Genome position (GRCh38, 1-based): chr10:86,900,120, G>A. VCF-style: chr10-86900120-G-A. GRCh37 (hg19) VCF-style: chr10-88659877-G-A.
Other names: p.Cys175Tyr; short protein forms C175Y.
Identifiers: ClinVar variation 187666 (VCV000187666.31), dbSNP rs370091063, ClinGen allele CA198243.

ClinVar aggregate classification (germline): Conflicting classifications of pathogenicity. Review status: criteria provided, conflicting classifications (1 of 4 stars). 7 submissions from 7 submitters: Uncertain significance (5); Benign (1); Likely benign (1). Last evaluated 2025-08-18.

Conditions:
Juvenile polyposis syndrome (JPS). Identifiers: Orphanet 2929, MedGen C0345893, MONDO:0017380, OMIM 174900.
Hereditary cancer-predisposing syndrome. Also called: Hereditary Cancer Syndrome; Neoplastic Syndromes, Hereditary; Tumor predisposition; Hereditary neoplastic syndrome. Identifiers: Orphanet 140162, MedGen C0027672, MeSH D009386, MONDO:0015356.
Polyposis syndrome, hereditary mixed, 2. Identifiers: Orphanet 157794, MedGen C1864730, MONDO:0012405, OMIM 610069.

Allele frequency attached by ClinVar (database versions not stated): gnomAD 0.00001; gnomAD exomes 0.00001; TOPMed 0.00001; ExAC 0.00002; ESP Exome Variant Server 0.00008.

Submissions (7):

Labcorp Genetics (formerly Invitae), Labcorp
Classification: Uncertain significance for Juvenile polyposis syndrome. Last evaluated: 2025-08-18. Review status: criteria provided, single submitter. Criteria: Invitae Variant Classification Sherloc (09022015). Collection method: clinical testing. Allele origin: germline.
Comment: This sequence change replaces cysteine, which is neutral and slightly polar, with tyrosine, which is neutral and polar, at codon 175 of the BMPR1A protein (p.Cys175Tyr). This variant is present in population databases (rs370091063, gnomAD 0.01%). This missense change has been observed in individual(s) with BMPR1A-related conditions (PMID: 27146957). ClinVar contains an entry for this variant (Variation ID: 187666). Invitae Evidence Modeling of protein sequence and biophysical properties (such as structural, functional, and spatial information, amino acid conservation, physicochemical variation, residue mobility, and thermodynamic stability) indicates that this missense variant is not expected to disrupt BMPR1A protein function with a negative predictive value of 80%. In summary, the available evidence is currently insufficient to determine the role of this variant in disease. Therefore, it has been classified as a Variant of Uncertain Significance.

Color Diagnostics, LLC DBA Color Health
Classification: Likely benign for Hereditary cancer-predisposing syndrome. Last evaluated: 2025-03-24. Review status: criteria provided, single submitter. Criteria: ACMG Guidelines, 2015. Collection method: clinical testing. Allele origin: germline.

Center for Genomic Medicine, Rigshospitalet, Copenhagen University Hospital
Classification: Uncertain significance. Last evaluated: 2025-03-04. Review status: criteria provided, single submitter. Criteria: ACMG Guidelines, 2015. Collection method: clinical testing. Allele origin: germline.

Mayo Clinic Laboratories, Mayo Clinic
Classification: Uncertain significance. Last evaluated: 2024-04-09. Review status: criteria provided, single submitter. Criteria: ACMG Guidelines, 2015. Collection method: clinical testing. Allele origin: germline. Observed: 1 variant allele.
Comment: PM2_moderate

All of Us Research Program, National Institutes of Health
Classification: Uncertain significance for Juvenile polyposis syndrome. Last evaluated: 2024-01-11. Review status: criteria provided, single submitter. Criteria: ACMG Guidelines, 2015. Collection method: clinical testing. Allele origin: germline. Inheritance: Autosomal dominant inheritance. Observed: 2 variant alleles, 2 heterozygotes.
Comment: This missense variant replaces cysteine with tyrosine at codon 175 of the BMPR1A protein. Computational prediction tools and conservation analyses are inconclusive regarding the impact of this variant on protein structure and function. Splice site prediction tools suggest that this variant may not impact RNA splicing. To our knowledge, functional studies have not been performed for this variant. This variant has not been reported in individuals affected with hereditary cancer in the literature. This variant has been identified in 3/250844 chromosomes in the general population by the Genome Aggregation Database (gnomAD). The available evidence is insufficient to determine the role of this variant in disease conclusively. Therefore, this variant is classified as a Variant of Uncertain Significance.

This study involves interpretation of variants in research participants for the purpose of population health screening. Participant phenotype was not available at the time of variant classification. Additional details can be found in publication PMID: 35346344, PMCID: PMC8962531

Baylor Genetics
Classification: Uncertain significance for Polyposis syndrome, hereditary mixed, 2. Last evaluated: 2023-12-14. Review status: criteria provided, single submitter. Criteria: ACMG Guidelines, 2015. Collection method: clinical testing. Allele origin: unknown.

Ambry Genetics
Classification: Benign for Hereditary cancer-predisposing syndrome. Last evaluated: 2022-09-08. Review status: criteria provided, single submitter. Criteria: Ambry Variant Classification Scheme 2023. Collection method: clinical testing. Allele origin: germline.

Literature cited by the submitters: PubMed 27146957 (cited by 4 submitters); PubMed 34326862 (cited by Center for Genomic Medicine, Rigshospitalet, Copenhagen University Hospital and Mayo Clinic Laboratories, Mayo Clinic).